The following is an entry in ClinVar:

NM_000135.4(FANCA):c.2504+5G>T

Gene: FANCA (FA complementation group A; minus strand). Cytogenetic location: 16q24.3.
Variant type: single nucleotide variant.
Coding change: c.2504+5G>T on transcript NM_000135.4 (MANE Select); 5 bases into the intron after coding-DNA position 2504, G replaced by T.
Molecular consequence: intron variant.
Genome position (GRCh38, 1-based): chr16:89,769,832, C>A on the plus strand (G>T on the coding strand, the complement: FANCA is on the minus strand). VCF-style: chr16-89769832-C-A. GRCh37 (hg19) VCF-style: chr16-89836240-C-A.
Other names: c.2504+5G>T (NM_001286167.3).
Identifiers: ClinVar variation 915873 (VCV000915873.3), dbSNP rs2039260372, ClinGen allele CA1139665009.

ClinVar aggregate classification (germline): Uncertain significance (0 of 4 stars; one submission).

Conditions:
Fanconi anemia complementation group A (FANCA). Also called: FANCA-Related Fanconi Anemia; Fanconi anemia, group A. Identifiers: Orphanet 84, MedGen C3469521, MONDO:0009215, OMIM 227650.

Submission:

Istanbul Faculty of Medicine, Istanbul University
Classification: Uncertain significance for Fanconi anemia, complementation group A. Last evaluated: 2020-03-17. Review status: no assertion criteria provided. Collection method: clinical testing. Allele origin: germline. Affected: yes. Observed: 1 variant allele.
Comment: Segregates in family

Literature cited by the submitters: DOI 10.1159/000509838.